The following is an entry in ClinVar:

ClinVar aggregate classification (germline): Benign/Likely benign. Review status: criteria provided, multiple submitters, no conflicts (2 of 4 stars). 3 submissions from 3 submitters: Benign (1); Likely benign (2). Last evaluated 2026-02-03.

Conditions:
Hypertrophic cardiomyopathy. Also called: HYPERTROPHIC MYOCARDIOPATHY. Identifiers: Orphanet 217569, MedGen C0007194, MeSH D002312, MONDO:0005045, HP:0001639.

Allele frequency attached by ClinVar (database versions not stated): TOPMed 0.00001; gnomAD exomes 0.00002 and 0.00005; ExAC 0.00003; gnomAD 0.00003; ESP Exome Variant Server 0.00016.

Submissions (3):

Labcorp Genetics (formerly Invitae), Labcorp
Classification: Likely benign for Hypertrophic cardiomyopathy. Last evaluated: 2026-02-03. Review status: criteria provided, single submitter. Criteria: Invitae Variant Classification Sherloc (09022015). Collection method: clinical testing. Allele origin: germline.

Blueprint Genetics
Classification: Likely benign. Last evaluated: 2023-07-31. Review status: criteria provided, single submitter. Criteria: ACMG Guidelines, 2015. Collection method: clinical testing. Allele origin: germline.

GeneDx
Classification: Benign. Last evaluated: 2013-10-10. Review status: criteria provided, single submitter. Criteria: GeneDx Variant Classification (06012015). Collection method: clinical testing. Allele origin: germline. Affected: yes.
Comment: This variant is considered likely benign or benign based on one or more of the following criteria: it is a conservative change, it occurs at a poorly conserved position in the protein, it is predicted to be benign by multiple in silico algorithms, and/or has population frequency not consistent with disease.

NC_000011.10:g.47346664G>A

Gene: MYBPC3 (myosin binding protein C3; minus strand). Cytogenetic location: 11p11.2.
Variant type: single nucleotide variant.
Genome position: GRCh38 VCF-style: chr11-47346664-G-A. GRCh37 (hg19) VCF-style: chr11-47368215-G-A.
Other names: c.909-20C>T (LRG_386t1, NM_000256.3).
Identifiers: ClinVar variation 138322 (VCV000138322.9), dbSNP rs377262354, ClinGen allele CA016052.
Genomic context (GRCh38, chr11:47,346,664, plus strand): 5'-GCTGTGCTATGTTGGGCACTCACCTCGGGGTCCGGAAACTGCTGCTCCAGGGGTGGGGGT[G>A]GGAGAAAGGGTAGGTGGCACATGAGAGGTATGGCCACCTTCCCTCAAAGACCTGGACCCC-3'